The following is an entry in ClinVar:

ClinVar aggregate classification (germline): Likely benign (1 of 4 stars; one submission).

Allele frequency attached by ClinVar (database versions not stated): ExAC 0.00001; gnomAD 0.00001; gnomAD exomes 0.00002; TOPMed 0.00004.
gnomAD v4.1: 33 of 1,601,208 alleles (0.0021%); highest among the groups gnomAD compares: African/African-American, 0.0027%; no homozygotes.

Submission:

CeGaT Center for Human Genetics Tuebingen
Classification: Likely benign. Last evaluated: 2022-12-01. Review status: criteria provided, single submitter. Criteria: CeGaT Center For Human Genetics Tuebingen Variant Classification Criteria Version 2. Collection method: clinical testing. Allele origin: germline. Affected: yes. Observed: 1 variant allele.
Comment: CES2: BP4, BP7

NM_001365405.1(CES2):c.51T>C (p.Leu17=)

Gene: CES2 (carboxylesterase 2; plus strand). Cytogenetic location: 16q22.1.
Variant type: single nucleotide variant.
Coding change: c.51T>C on transcript NM_001365405.1 (MANE Select); coding-DNA position 51, T replaced by C.
Protein change: p.Leu17=; no amino-acid change (leucine 17 retained).
Molecular consequence: synonymous variant. On other transcripts: 5 prime UTR variant (3).
Genome position (GRCh38, 1-based): chr16:66,935,686, T>C. VCF-style: chr16-66935686-T-C. GRCh37 (hg19) VCF-style: chr16-66969589-T-C.
Other names: c.-494T>C (NM_001365406.1); c.-393T>C (NM_001365407.1, NM_001365408.1); c.51T>C, p.Leu17= (NM_003869.6, NM_198061.3).
Identifiers: ClinVar variation 2646607 (VCV002646607.24), dbSNP rs747007078, ClinGen allele CA8098395.
Genomic context (GRCh38, chr16:66,935,686, plus strand): 5'-CGAGCCGACCATGCGGCTGCACAGACTTCGTGCGCGGCTGAGCGCGGTGGCCTGTGGGCT[T>C]CTGCTGCTTCTTGTCCGGGGCCAGGGTGAGGCTCCCTCGGAGGGGCGACAGGGACCGGGC-3'
Protein context (NP_001352334.1, residues 7-27): RARLSAVACG[Leu17=]LLLLVRGQGQ